The following is an entry in ClinVar:

NM_130468.4(CHST14):c.419A>C (p.His140Pro)

Gene: CHST14 (carbohydrate sulfotransferase 14; plus strand). Cytogenetic location: 15q15.1.
Variant type: single nucleotide variant.
Coding change: c.419A>C on transcript NM_130468.4 (MANE Select); coding-DNA position 419, A replaced by C.
Protein change: p.His140Pro; replaces histidine 140 with proline.
Molecular consequence: missense variant.
Genome position (GRCh38, 1-based): chr15:40,471,632, A>C. VCF-style: chr15-40471632-A-C. GRCh37 (hg19) VCF-style: chr15-40763831-A-C.
Other names: p.His140Pro; short protein forms H140P.
Identifiers: ClinVar variation 4819304 (VCV004819304.1).
Genomic context (GRCh38, chr15:40,471,632, plus strand): 5'-CAGGCATGCCCCGGGACCCCTGGGACTTGCCGGTGGGGCAGCGGCGCACCCTGCTGCGCC[A>C]CATCCTCGTAAGTGACCGTTACCGCTTCCTCTACTGCTACGTCCCCAAGGTGGCCTGCTC-3'
Protein context (NP_569735.1, residues 130-150): PVGQRRTLLR[His140Pro]ILVSDRYRFL

ClinVar aggregate classification (germline): Uncertain significance (1 of 4 stars; one submission).

Conditions:
Ehlers-Danlos syndrome, musculocontractural type 1. Identifiers: MedGen CN295219, MONDO:0020681, OMIM 601776.

Submission:

Department of Molecular Genetics, Istishari Arab Hospital
Classification: Uncertain significance for Ehlers-Danlos syndrome, musculocontractural type 1. Last evaluated: 2026-03-31. Review status: criteria provided, single submitter. Criteria: ACMG Guidelines, 2015. Collection method: clinical testing. Allele origin: germline. Inheritance: Autosomal recessive inheritance. Affected: yes.
Comment: The CHST14 variant c.419A>C, p.His140Pro creates an amino acid change from His to Pro at position 140. The variant is not observed in the gnomAD v4.1.0 dataset, and to the best of our knowledge, it was not previously reported in the literature. It is classified as a variant of uncertain significance according to the recommendations of ACMG/AMP/ClinGen SVI guidelines.